The following is an entry in ClinVar:

ClinVar aggregate classification (germline): Uncertain significance (1 of 4 stars; one submission).

Conditions:
Alstrom syndrome (ALMS). Identifiers: Orphanet 64, MedGen C0268425, MONDO:0008763, OMIM 203800.

Allele frequency attached by ClinVar (database versions not stated): TOPMed below 0.00001; gnomAD 0.00001; gnomAD exomes 0.00001.
gnomAD v4.1: 19 of 1,613,512 alleles (0.0012%); highest among the groups gnomAD compares: Admixed American, 0.0017%; no homozygotes.

Submission:

Labcorp Genetics (formerly Invitae), Labcorp
Classification: Uncertain significance for Alstrom syndrome. Last evaluated: 2022-09-13. Review status: criteria provided, single submitter. Criteria: Invitae Variant Classification Sherloc (09022015). Collection method: clinical testing. Allele origin: germline.
Comment: This sequence change replaces proline, which is neutral and non-polar, with serine, which is neutral and polar, at codon 241 of the ALMS1 protein (p.Pro241Ser). This variant is present in population databases (no rsID available, gnomAD 0.002%). This variant has not been reported in the literature in individuals affected with ALMS1-related conditions. Algorithms developed to predict the effect of missense changes on protein structure and function output the following: SIFT: "Not Available"; PolyPhen-2: "Not Available"; Align-GVGD: "Not Available". The serine amino acid residue is found in multiple mammalian species, which suggests that this missense change does not adversely affect protein function. In summary, the available evidence is currently insufficient to determine the role of this variant in disease. Therefore, it has been classified as a Variant of Uncertain Significance.

NM_001378454.1(ALMS1):c.718C>T (p.Pro240Ser)

Gene: ALMS1 (ALMS1 centrosome and basal body associated protein; plus strand). Cytogenetic location: 2p13.1.
Variant type: single nucleotide variant.
Coding change: c.718C>T on transcript NM_001378454.1 (MANE Select); coding-DNA position 718, C replaced by T.
Protein change: p.Pro240Ser; replaces proline 240 with serine.
Molecular consequence: missense variant.
Genome position (GRCh38, 1-based): chr2:73,422,928, C>T. VCF-style: chr2-73422928-C-T. GRCh37 (hg19) VCF-style: chr2-73650056-C-T.
Other names: c.721C>T, p.Pro241Ser (NM_015120.4); short protein forms P240S, P241S.
Identifiers: ClinVar variation 2041178 (VCV002041178.1), dbSNP rs1320912703, ClinGen allele CA347260168.